The following is an entry in ClinVar:

ClinVar aggregate classification (germline): Uncertain significance (1 of 4 stars; one submission).

Allele frequency attached by ClinVar (database versions not stated): gnomAD exomes below 0.00001.
gnomAD v4.1: 2 of 1,614,078 alleles (0.00012%); highest among the groups gnomAD compares: Admixed American, 0.0033%; no homozygotes.

Submission:

Labcorp Genetics (formerly Invitae), Labcorp
Classification: Uncertain significance. Last evaluated: 2022-10-24. Review status: criteria provided, single submitter. Criteria: Invitae Variant Classification Sherloc (09022015). Collection method: clinical testing. Allele origin: germline.
Comment: This sequence change replaces asparagine, which is neutral and polar, with lysine, which is basic and polar, at codon 647 of the RERE protein (p.Asn647Lys). This variant is not present in population databases (gnomAD no frequency). This variant has not been reported in the literature in individuals affected with RERE-related conditions. Advanced modeling of protein sequence and biophysical properties (such as structural, functional, and spatial information, amino acid conservation, physicochemical variation, residue mobility, and thermodynamic stability) performed at Invitae indicates that this missense variant is not expected to disrupt RERE protein function. In summary, the available evidence is currently insufficient to determine the role of this variant in disease. Therefore, it has been classified as a Variant of Uncertain Significance.

NM_001042681.2(RERE):c.1941C>A (p.Asn647Lys)

Gene: RERE (arginine-glutamic acid dipeptide repeats; minus strand). Cytogenetic location: 1p36.23.
Variant type: single nucleotide variant.
Coding change: c.1941C>A on transcript NM_001042681.2 (MANE Select); coding-DNA position 1941, C replaced by A.
Protein change: p.Asn647Lys; replaces asparagine 647 with lysine.
Molecular consequence: missense variant.
Genome position (GRCh38, 1-based): chr1:8,361,838, G>T on the plus strand (C>A on the coding strand, the complement: RERE is on the minus strand). VCF-style: chr1-8361838-G-T. GRCh37 (hg19) VCF-style: chr1-8421898-G-T.
Other names: c.279C>A, p.Asn93Lys (NM_001042682.2); c.1941C>A, p.Asn647Lys (NM_012102.4); short protein forms N647K, N93K.
Identifiers: ClinVar variation 2098980 (VCV002098980.4), dbSNP rs2522725603, ClinGen allele CA338173655.
Genomic context (GRCh38, chr1:8,361,838, plus strand): 5'-CTTGGAGCTGGTCCTGTCAGCCTCCTCCGTATCAGAGGCCACCTTCTCCCGCTGGCGTTT[G>T]TTACTCTTAAGAGGGGAAGAGGCTTCCTCCTTCACCTTCTGCAGGGGAAAAGCCCACAAG-3'
Protein context (NP_001036146.1, residues 637-657): KEEASSPLKS[Asn647Lys]KRQREKVASD